The following is an entry in ClinVar:

NM_001018115.3(FANCD2):c.3127G>A (p.Gly1043Ser)

Genes: FANCD2 (FA complementation group D2; plus strand), FANCD2OS (FANCD2 opposite strand; minus strand). Cytogenetic location: 3p25.3.
Variant type: single nucleotide variant.
Coding change: c.3127G>A on transcript NM_001018115.3 (MANE Select); coding-DNA position 3127, G replaced by A.
Protein change: p.Gly1043Ser; replaces glycine 1043 with serine.
Molecular consequence: missense variant. On other transcripts: 3 prime UTR variant (1).
Genome position (GRCh38, 1-based): chr3:10,081,367, G>A. VCF-style: chr3-10081367-G-A. GRCh37 (hg19) VCF-style: chr3-10123051-G-A.
Other names: c.*208C>T (NM_173472.2); c.3127G>A, p.Gly1043Ser (NM_001319984.2, NM_001374254.1, NM_033084.6); c.3016G>A, p.Gly1006Ser (NM_001374253.1); short protein forms G1043S, G1006S.
Identifiers: ClinVar variation 948989 (VCV000948989.12), dbSNP rs142238966, ClinGen allele CA2250288.

ClinVar aggregate classification (germline): Uncertain significance. Review status: criteria provided, multiple submitters, no conflicts (2 of 4 stars). 2 submissions from 2 submitters: Uncertain significance (2). Last evaluated 2024-03-15.

Conditions:
Fanconi anemia complementation group D2. Also called: FANCD2-Related Fanconi Anemia; FANCONI PANCYTOPENIA, TYPE 4; FANCONI ANEMIA, COMPLEMENTATION GROUP D. Identifiers: Orphanet 84, MedGen C3160738, MONDO:0009214, OMIM 227646.
Fanconi anemia (FA). Also called: Fanconi's anemia. Identifiers: Orphanet 84, MedGen C0015625, MeSH D005199, MONDO:0019391.

Allele frequency attached by ClinVar (database versions not stated): ExAC 0.00002; gnomAD 0.00002; ESP Exome Variant Server 0.00008; gnomAD exomes 0.00001; TOPMed 0.00003.
gnomAD v4.1: 21 of 1,613,768 alleles (0.0013%); highest among the groups gnomAD compares: Middle Eastern, 0.016%; no homozygotes.

Submissions (2):

Labcorp Genetics (formerly Invitae), Labcorp
Classification: Uncertain significance for Fanconi anemia. Last evaluated: 2024-03-15. Review status: criteria provided, single submitter. Criteria: Invitae Variant Classification Sherloc (09022015). Collection method: clinical testing. Allele origin: germline.
Comment: This sequence change replaces glycine, which is neutral and non-polar, with serine, which is neutral and polar, at codon 1043 of the FANCD2 protein (p.Gly1043Ser). This variant is present in population databases (rs142238966, gnomAD 0.006%). This variant has not been reported in the literature in individuals affected with FANCD2-related conditions. ClinVar contains an entry for this variant (Variation ID: 948989). Advanced modeling of protein sequence and biophysical properties (such as structural, functional, and spatial information, amino acid conservation, physicochemical variation, residue mobility, and thermodynamic stability) performed at Invitae indicates that this missense variant is not expected to disrupt FANCD2 protein function with a negative predictive value of 80%. In summary, the available evidence is currently insufficient to determine the role of this variant in disease. Therefore, it has been classified as a Variant of Uncertain Significance.

Fulgent Genetics
Classification: Uncertain significance for Fanconi anemia complementation group D2. Last evaluated: 2024-02-28. Review status: criteria provided, single submitter. Criteria: ACMG Guidelines, 2015. Collection method: clinical testing. Allele origin: germline.